The following is an entry in ClinVar:

ClinVar aggregate classification (germline): Benign. Review status: criteria provided, multiple submitters, no conflicts (2 of 4 stars). 3 submissions from 3 submitters: Benign (3). Last evaluated 2021-06-09.

Allele frequency attached by ClinVar (database versions not stated): 1000 Genomes Project 0.04832; 1000 Genomes Project 30x 0.04934; ESP Exome Variant Server 0.05124; TOPMed 0.06462.
gnomAD v4.1: 92,633 of 1,611,446 alleles (5.7%); highest among the groups gnomAD compares: Admixed American, 14%; 4,417 homozygotes.

Submissions (3):

GeneDx
Classification: Benign. Last evaluated: 2021-06-09. Review status: criteria provided, single submitter. Criteria: GeneDx Variant Classification Process June 2021. Collection method: clinical testing. Allele origin: germline. Affected: yes.

Laboratory for Molecular Medicine, Mass General Brigham Personalized Medicine
Classification: Benign. Last evaluated: 2016-03-28. Review status: criteria provided, single submitter. Criteria: LMM Criteria. Collection method: clinical testing. Allele origin: germline.
Comment: Variant identified in a genome or exome case(s) and assessed due to predicted null impact of the variant or pathogenic assertions in the literature or databases. Disclaimer: This variant has not undergone full assessment. The following are preliminary notes: Frequency

Breakthrough Genomics
Classification: Benign. Review status: criteria provided, single submitter. Criteria: ACMG Guidelines, 2015. Collection method: not provided. Allele origin: germline. Inheritance: Autosomal dominant inheritance. Affected: yes.

NM_002458.3(MUC5B):c.6182C>T (p.Ala2061Val)

Genes: MUC5B (mucin 5B, oligomeric mucus/gel-forming; plus strand), MUC5B-AS1 (MUC5B antisense RNA 1; minus strand). Cytogenetic location: 11p15.5.
Variant type: single nucleotide variant.
Coding change: c.6182C>T on transcript NM_002458.3 (MANE Select); coding-DNA position 6182, C replaced by T.
Protein change: p.Ala2061Val; replaces alanine 2061 with valine.
Molecular consequence: missense variant.
Genome position (GRCh38, 1-based): chr11:1,243,062, C>T. VCF-style: chr11-1243062-C-T. GRCh37 (hg19) VCF-style: chr11-1264292-C-T.
Other names: short protein forms A2061V.
Identifiers: ClinVar variation 403134 (VCV000403134.8), dbSNP rs61997210, ClinGen allele CA5805940.
Genomic context (GRCh38, chr11:1,243,062, plus strand): 5'-CCACCCCAGGAACAGCTCACACTACCAAAGTGCCAACTACCACAACCACGGGCTTCACAG[C>T]CACCCCCTCCTCCAGCCCAGGGACGGCACTCACGCCTCCAGTGTGGATCAGCACAACCAC-3'
Protein context (NP_002449.2, residues 2051-2071): VPTTTTTGFT[Ala2061Val]TPSSSPGTAL